The following is an entry in ClinVar:

ClinVar aggregate classification (germline): Uncertain significance (1 of 4 stars; one submission).

Conditions:
Bardet-Biedl syndrome (BBS). Identifiers: Orphanet 110, MedGen C0752166, MONDO:0015229.

Allele frequency attached by ClinVar (database versions not stated): gnomAD 0.00001; TOPMed 0.00001; gnomAD exomes 0.00002 and 0.00003; ExAC 0.00003.
gnomAD v4.1: 51 of 1,613,382 alleles (0.0032%); highest among the groups gnomAD compares: East Asian, 0.11%; no homozygotes.

Submission:

Labcorp Genetics (formerly Invitae), Labcorp
Classification: Uncertain significance for Bardet-Biedl syndrome. Last evaluated: 2022-02-05. Review status: criteria provided, single submitter. Criteria: Invitae Variant Classification Sherloc (09022015). Collection method: clinical testing. Allele origin: germline.
Comment: This variant is present in population databases (rs779689937, gnomAD 0.03%). This sequence change replaces histidine, which is basic and polar, with tyrosine, which is neutral and polar, at codon 51 of the WDPCP protein (p.His51Tyr). This variant has not been reported in the literature in individuals affected with WDPCP-related conditions. In summary, the available evidence is currently insufficient to determine the role of this variant in disease. Therefore, it has been classified as a Variant of Uncertain Significance. Algorithms developed to predict the effect of missense changes on protein structure and function are either unavailable or do not agree on the potential impact of this missense change (SIFT: "Deleterious"; PolyPhen-2: "Probably Damaging"; Align-GVGD: "Class C15"). ClinVar contains an entry for this variant (Variation ID: 1036719).

NM_015910.7(WDPCP):c.151C>T (p.His51Tyr)

Gene: WDPCP (WD repeat containing planar cell polarity effector; minus strand). Cytogenetic location: 2p15.
Variant type: single nucleotide variant.
Coding change: c.151C>T on transcript NM_015910.7 (MANE Select); coding-DNA position 151, C replaced by T.
Protein change: p.His51Tyr; replaces histidine 51 with tyrosine.
Molecular consequence: missense variant. On other transcripts: non-coding transcript variant (2).
Genome position (GRCh38, 1-based): chr2:63,492,865, G>A on the plus strand (C>T on the coding strand, the complement: WDPCP is on the minus strand). VCF-style: chr2-63492865-G-A. GRCh37 (hg19) VCF-style: chr2-63719999-G-A.
Other names: c.79C>T, p.His27Tyr (NM_001354044.2); c.151C>T, p.His51Tyr (NM_001354045.2); short protein forms H27Y, H51Y.
Identifiers: ClinVar variation 1036719 (VCV001036719.8), dbSNP rs779689937, ClinGen allele CA1682608.
Genomic context (GRCh38, chr2:63,492,865, plus strand): 5'-AATGGTGTAACATATTTGAAAAATATTGAAATTAATCCAGAGCTCATTTACCCGCAATGT[G>A]TAAGGTATTCTTCAAAGACCACAGGTGCAGTTCAGTCAAGCAGAAAGACATCTGATGGCA-3'
Protein context (NP_056994.3, residues 41-61): LHLWSLKNTL[His51Tyr]IADRDIGIYQ